The following is an entry in ClinVar:

ClinVar aggregate classification (germline): Uncertain significance. Review status: criteria provided, multiple submitters, no conflicts (2 of 4 stars). 4 submissions from 4 submitters: Uncertain significance (4). Last evaluated 2024-02-13.

Conditions:
Inborn genetic diseases. Identifiers: MedGen C0950123, MeSH D030342.
Myoglobinuria, acute recurrent, autosomal recessive. Also called: MYOGLOBINURIA, FAMILIAL PAROXYSMAL PARALYTIC; RHABDOMYOLYSIS, ACUTE RECURRENT; Myoglobinuria, recurrent, autosomal recessive. Identifiers: Orphanet 99845, MedGen C1849386, MONDO:0009992, OMIM 268200.

Allele frequency attached by ClinVar (database versions not stated): gnomAD exomes 0.00005; ExAC 0.00006; ESP Exome Variant Server 0.00008; gnomAD 0.00016; TOPMed 0.00019.
gnomAD v4.1: 63 of 1,614,004 alleles (0.0039%); highest among the groups gnomAD compares: African/African-American, 0.057%; no homozygotes.

Submissions (4):

Fulgent Genetics
Classification: Uncertain significance for Myoglobinuria, acute recurrent, autosomal recessive. Last evaluated: 2024-02-13. Review status: criteria provided, single submitter. Criteria: ACMG Guidelines, 2015. Collection method: clinical testing. Allele origin: germline.

Labcorp Genetics (formerly Invitae), Labcorp
Classification: Uncertain significance. Last evaluated: 2023-12-28. Review status: criteria provided, single submitter. Criteria: Invitae Variant Classification Sherloc (09022015). Collection method: clinical testing. Allele origin: germline.
Comment: This sequence change replaces proline, which is neutral and non-polar, with leucine, which is neutral and non-polar, at codon 585 of the LPIN1 protein (p.Pro585Leu). This variant is present in population databases (rs144102076, gnomAD 0.08%). This variant has not been reported in the literature in individuals affected with LPIN1-related conditions. ClinVar contains an entry for this variant (Variation ID: 1027769). Advanced modeling of protein sequence and biophysical properties (such as structural, functional, and spatial information, amino acid conservation, physicochemical variation, residue mobility, and thermodynamic stability) performed at Invitae indicates that this missense variant is not expected to disrupt LPIN1 protein function with a negative predictive value of 80%. In summary, the available evidence is currently insufficient to determine the role of this variant in disease. Therefore, it has been classified as a Variant of Uncertain Significance.

Ambry Genetics
Classification: Uncertain significance for Inborn genetic diseases. Last evaluated: 2021-07-06. Review status: criteria provided, single submitter. Criteria: Ambry Variant Classification Scheme 2023. Collection method: clinical testing. Allele origin: germline.

Baylor Genetics
Classification: Uncertain significance for Myoglobinuria, acute recurrent, autosomal recessive. Last evaluated: 2019-04-19. Review status: criteria provided, single submitter. Criteria: ACMG Guidelines, 2015. Collection method: clinical testing. Allele origin: unknown. Affected: yes.
Comment: This variant was determined to be of uncertain significance according to ACMG Guidelines, 2015 [PMID:25741868].

NM_001349206.2(LPIN1):c.1862C>T (p.Pro621Leu)

Gene: LPIN1 (lipin 1; plus strand). Cytogenetic location: 2p25.1.
Variant type: single nucleotide variant.
Coding change: c.1862C>T on transcript NM_001349206.2 (MANE Select); coding-DNA position 1862, C replaced by T.
Protein change: p.Pro621Leu; replaces proline 621 with leucine.
Molecular consequence: missense variant. On other transcripts: non-coding transcript variant (1).
Genome position (GRCh38, 1-based): chr2:11,795,463, C>T. VCF-style: chr2-11795463-C-T. GRCh37 (hg19) VCF-style: chr2-11935589-C-T.
Other names: c.1772C>T, p.Pro591Leu (NM_001261427.3); c.2009C>T, p.Pro670Leu (NM_001261428.3); c.1754C>T, p.Pro585Leu (NM_001349199.2, NM_145693.4); c.1832C>T, p.Pro611Leu (NM_001349200.2, NM_001349201.2); c.1859C>T, p.Pro620Leu (NM_001349202.2, NM_001349203.2); c.1862C>T, p.Pro621Leu (NM_001349204.2, NM_001349205.2); c.1952C>T, p.Pro651Leu (NM_001349207.2); c.1901C>T, p.Pro634Leu (NM_001349208.2); and 1 more; short protein forms P634L, P585L, P620L, P591L, P611L, P621L, P651L, P670L.
Identifiers: ClinVar variation 1027769 (VCV001027769.7), dbSNP rs144102076, ClinGen allele CA1533884.
Genomic context (GRCh38, chr2:11,795,463, plus strand): 5'-TCTAGGAAAGTAAGCCAGAGCAGTGCTTGGCTGGCAAGGCCCATAGCACCGGAGAGCAAC[C>T]GCCGCAGCTCAGCTTGGCCACCAGGTGCGGTAGGAGGCTTCTTGGGATGTTTGCAGCCCC-3'
Protein context (NP_001336135.1, residues 611-631): AGKAHSTGEQ[Pro621Leu]PQLSLATRVK